The following is an entry in ClinVar:

ClinVar aggregate classification (germline): Uncertain significance. Review status: criteria provided, single submitter (1 of 4 stars). 2 submissions from 2 submitters: Uncertain significance (1). 1 of the submissions does not count toward it. Last evaluated 2026-05-06.

Conditions:
Inborn genetic diseases. Identifiers: MedGen C0950123, MeSH D030342.
ZNF292-related disorder. Also called: ZNF292-related condition.

gnomAD v4.1: 1 of 1,613,858 alleles (0.000062%); no homozygotes.

Submissions (2):

Ambry Genetics
Classification: Uncertain significance for Inborn genetic diseases. Last evaluated: 2026-05-06. Review status: criteria provided, single submitter. Criteria: Ambry Variant Classification Scheme 2023. Collection method: clinical testing. Allele origin: germline.

PreventionGenetics, part of Exact Sciences
Classification: Uncertain significance for ZNF292-related condition. Last evaluated: 2024-04-17. Review status: no assertion criteria provided. Collection method: clinical testing. Allele origin: germline. Not counted in ClinVar's aggregate classification.
Comment: The ZNF292 c.1226T>C variant is predicted to result in the amino acid substitution p.Leu409Ser. To our knowledge, this variant has not been reported in the literature or in a large population database, indicating this variant is rare. At this time, the clinical significance of this variant is uncertain due to the absence of conclusive functional and genetic evidence.

NM_015021.3(ZNF292):c.1226T>C (p.Leu409Ser)

Gene: ZNF292 (zinc finger protein 292; plus strand). Cytogenetic location: 6q14.3.
Variant type: single nucleotide variant.
Coding change: c.1226T>C on transcript NM_015021.3 (MANE Select); coding-DNA position 1226, T replaced by C.
Protein change: p.Leu409Ser; replaces leucine 409 with serine.
Molecular consequence: missense variant.
Genome position (GRCh38, 1-based): chr6:87,254,855, T>C. VCF-style: chr6-87254855-T-C. GRCh37 (hg19) VCF-style: chr6-87964573-T-C.
Other names: c.806T>C, p.Leu269Ser (NM_001351444.2); short protein forms L269S, L409S.
Identifiers: ClinVar variation 3351489 (VCV003351489.2).